The following is an entry in ClinVar:

NM_078629.4(MSL3):c.1171+2T>A

Gene: MSL3 (MSL complex subunit 3; plus strand). Cytogenetic location: Xp22.2.
Variant type: single nucleotide variant.
Coding change: c.1171+2T>A on transcript NM_078629.4 (MANE Select); the canonical splice donor site of the intron after coding-DNA position 1171, T replaced by A.
Molecular consequence: splice donor variant. On other transcripts: missense variant (1).
Genome position (GRCh38, 1-based): chrX:11,765,731, T>A. VCF-style: chrX-11765731-T-A. GRCh37 (hg19) VCF-style: chrX-11783850-T-A.
Other names: NC_000023.10:g.11783850T>A; c.1173T>A, p.Ser391Arg (NM_078628.2); c.724+2T>A (NM_001282174.1); c.1135+2T>A (NM_001193270.2); c.673+2T>A (NM_006800.4); short protein forms S391R.
Identifiers: ClinVar variation 1210216 (VCV001210216.3), dbSNP rs2147247578, ClinGen allele CA412066337.

ClinVar aggregate classification (germline): Pathogenic (1 of 4 stars; one submission).

Conditions:
X-linked neurodevelopmental delay, dysmorphism, and progressive neurological disorder.

Submissions (3):

Randwick Genomics Laboratory, Prince of Wales Hospital Sydney, Australia, New South Wales Health Pathology
Classification: Pathogenic for X-linked neurodevelopmental delay, dysmorphism, and progressive neurological disorder. Review status: criteria provided, single submitter. Criteria: ACMG Guidelines, 2015. Collection method: clinical testing. Allele origin: de novo. Affected: yes.
Comment: PVS1, PS2, PS3, PM2

Trio, AD de novo

Dr. Peter K. Rogan Lab, Western University
No classification provided (evidence only). Condition: Thyroid cancer, nonmedullary, 1. Review status: no classification provided. Collection method: in vitro. Allele origin: not applicable. Functional consequence: retained intron. Not counted in ClinVar's aggregate classification.

Dr. Peter K. Rogan Lab, Western University
No classification provided (evidence only). Condition: Thyroid cancer, nonmedullary, 1. Review status: no classification provided. Collection method: in vitro. Allele origin: not applicable. Functional consequence: retained intron. Not counted in ClinVar's aggregate classification.